The following is an entry in ClinVar:

NM_001142864.4(PIEZO1):c.4150G>A (p.Gly1384Ser)

Gene: PIEZO1 (piezo type mechanosensitive ion channel component 1 (Er blood group); minus strand). Cytogenetic location: 16q24.3.
Variant type: single nucleotide variant.
Coding change: c.4150G>A on transcript NM_001142864.4 (MANE Select); coding-DNA position 4150, G replaced by A.
Protein change: p.Gly1384Ser; replaces glycine 1384 with serine.
Molecular consequence: missense variant.
Genome position (GRCh38, 1-based): chr16:88,725,428, C>T on the plus strand (G>A on the coding strand, the complement: PIEZO1 is on the minus strand). VCF-style: chr16-88725428-C-T. GRCh37 (hg19) VCF-style: chr16-88791836-C-T.
Other names: c.2692G>A, p.Gly898Ser (NM_014745.1); short protein forms G898S, G1384S.
Identifiers: ClinVar variation 2404666 (VCV002404666.16), dbSNP rs766577826, ClinGen allele CA8232249.

ClinVar aggregate classification (germline): Uncertain significance. Review status: criteria provided, multiple submitters, no conflicts (2 of 4 stars). 2 submissions from 2 submitters: Uncertain significance (2). Last evaluated 2025-11-01.

Conditions:
Inborn genetic diseases. Identifiers: MedGen C0950123, MeSH D030342.

Allele frequency attached by ClinVar (database versions not stated): gnomAD exomes 0.00001; gnomAD 0.00004; TOPMed 0.00005.
gnomAD v4.1: 18 of 1,461,052 alleles (0.0012%); highest among the groups gnomAD compares: Middle Eastern, 0.019%; no homozygotes.

Submissions (2):

CeGaT Center for Human Genetics Tuebingen
Classification: Uncertain significance. Last evaluated: 2025-11-01. Review status: criteria provided, single submitter. Criteria: CeGaT Center For Human Genetics Tuebingen Variant Classification Criteria Version 2. Collection method: clinical testing. Allele origin: germline. Affected: yes. Observed: 2 variant alleles.
Comment: PIEZO1: PM2

Ambry Genetics
Classification: Uncertain significance for Inborn genetic diseases. Last evaluated: 2021-12-07. Review status: criteria provided, single submitter. Criteria: Ambry Variant Classification Scheme 2023. Collection method: clinical testing. Allele origin: germline.